The following is an entry in ClinVar:

ClinVar aggregate classification (germline): Uncertain significance. Review status: criteria provided, multiple submitters, no conflicts (2 of 4 stars). 2 submissions from 2 submitters: Uncertain significance (2). Last evaluated 2022-12-05.

Allele frequency attached by ClinVar (database versions not stated): TOPMed below 0.00001; gnomAD 0.00001; gnomAD exomes 0.00001.
gnomAD v4.1: 16 of 1,613,644 alleles (0.00099%); highest among the groups gnomAD compares: Non-Finnish European, 0.0011%; no homozygotes.

Submissions (2):

Blueprint Genetics
Classification: Uncertain significance. Last evaluated: 2022-12-05. Review status: criteria provided, single submitter. Criteria: ACMG Guidelines, 2015. Collection method: clinical testing. Allele origin: germline.

Labcorp Genetics (formerly Invitae), Labcorp
Classification: Uncertain significance. Last evaluated: 2022-03-14. Review status: criteria provided, single submitter. Criteria: Invitae Variant Classification Sherloc (09022015). Collection method: clinical testing. Allele origin: germline.
Comment: This sequence change replaces lysine, which is basic and polar, with glutamic acid, which is acidic and polar, at codon 521 of the IMPDH1 protein (p.Lys521Glu). This variant is not present in population databases (gnomAD no frequency). This variant has not been reported in the literature in individuals affected with IMPDH1-related conditions. Algorithms developed to predict the effect of missense changes on protein structure and function are either unavailable or do not agree on the potential impact of this missense change (SIFT: "Deleterious"; PolyPhen-2: "Possibly Damaging"; Align-GVGD: "Class C0"). In summary, the available evidence is currently insufficient to determine the role of this variant in disease. Therefore, it has been classified as a Variant of Uncertain Significance.

NM_000883.4(IMPDH1):c.1561A>G (p.Lys521Glu)

Gene: IMPDH1 (inosine monophosphate dehydrogenase 1; minus strand). Cytogenetic location: 7q32.1.
Variant type: single nucleotide variant.
Coding change: c.1561A>G on transcript NM_000883.4 (MANE Select); coding-DNA position 1561, A replaced by G.
Protein change: p.Lys521Glu; replaces lysine 521 with glutamic acid.
Molecular consequence: missense variant.
Genome position (GRCh38, 1-based): chr7:128,394,589, T>C on the plus strand (A>G on the coding strand, the complement: IMPDH1 is on the minus strand). VCF-style: chr7-128394589-T-C. GRCh37 (hg19) VCF-style: chr7-128034643-T-C.
Other names: c.1531A>G, p.Lys511Glu (NM_001102605.2); c.1306A>G, p.Lys436Glu (NM_001142573.2); c.1291A>G, p.Lys431Glu (NM_001142574.2); c.1231A>G, p.Lys411Glu (NM_001142575.2); c.1462A>G, p.Lys488Glu (NM_001142576.2); c.1354A>G, p.Lys452Glu (NM_001304521.2); c.1453A>G, p.Lys485Glu (NM_183243.3); short protein forms K411E, K431E, K511E, K436E, K488E, K521E, K452E, K485E.
Identifiers: ClinVar variation 1989817 (VCV001989817.5), dbSNP rs992154664, ClinGen allele CA166121769.
Genomic context (GRCh38, chr7:128,394,589, plus strand): 5'-ACTTCTGAATGGATCCTTTGTCCTGGATGGAGCCCGAGACACCCTGCGCGATCTTCACTT[T>C]ATCCCCCTCGCTGCGTGGAGGGTGGAAGACTGAGCCCAGCAGCTTGAAGCTCAGAGGACC-3'
Protein context (NP_000874.2, residues 511-531): SQKRYFSEGD[Lys521Glu]VKIAQGVSGS